The following is an entry in ClinVar:

NM_000179.3(MSH6):c.3815A>C (p.Glu1272Ala)

Gene: MSH6 (mutS homolog 6; plus strand). Cytogenetic location: 2p16.3.
Variant type: single nucleotide variant.
Coding change: c.3815A>C on transcript NM_000179.3 (MANE Select); coding-DNA position 3815, A replaced by C.
Protein change: p.Glu1272Ala; replaces glutamic acid 1272 with alanine.
Molecular consequence: missense variant.
Genome position (GRCh38, 1-based): chr2:47,806,465, A>C. VCF-style: chr2-47806465-A-C. GRCh37 (hg19) VCF-style: chr2-48033604-A-C.
Other names: c.2909A>C, p.Glu970Ala (NM_001281493.2, NM_001281494.2, NM_001406814.1 and 6 more transcripts); c.3911A>C, p.Glu1304Ala (NM_001406795.1); c.3815A>C, p.Glu1272Ala (NM_001406796.1, NM_001406808.1, NM_001406809.1); c.3518A>C, p.Glu1173Ala (NM_001406797.1, NM_001406801.1, NM_001406818.1 and 10 more transcripts); c.3641A>C, p.Glu1214Ala (NM_001406798.1); c.3290A>C, p.Glu1097Ala (NM_001406799.1, NM_001406806.1, NM_001406807.1); c.3802A>C, p.Lys1268Gln (NM_001406800.1); c.2249A>C, p.Glu750Ala (NM_001406817.1); and 8 more; short protein forms E1097A, K1268Q, E1142A, E970A, E1173A, E1216A, E1246A, E1274A.
Identifiers: ClinVar variation 1735193 (VCV001735193.6), dbSNP rs1670092894, ClinGen allele CA346761238.

ClinVar aggregate classification (germline): Uncertain significance. Review status: criteria provided, multiple submitters, no conflicts (2 of 4 stars). 3 submissions from 3 submitters: Uncertain significance (3). Last evaluated 2024-03-06.

Conditions:
Hereditary nonpolyposis colorectal neoplasms. Identifiers: MedGen C0009405, MeSH D003123.
Hereditary cancer-predisposing syndrome. Also called: Neoplastic Syndromes, Hereditary; Tumor predisposition; Hereditary Cancer Syndrome; Hereditary neoplastic syndrome. Identifiers: Orphanet 140162, MedGen C0027672, MeSH D009386, MONDO:0015356.

Submissions (3):

Color Diagnostics, LLC DBA Color Health
Classification: Uncertain significance for Hereditary cancer-predisposing syndrome. Last evaluated: 2024-03-06. Review status: criteria provided, single submitter. Criteria: ACMG Guidelines, 2015. Collection method: clinical testing. Allele origin: germline.
Comment: This missense variant replaces glutamic acid with alanine at codon 1272 of the MSH6 protein. Computational prediction suggests that this variant may have deleterious impact on protein structure and function (internally defined REVEL score threshold >= 0.7, PMID: 27666373). To our knowledge, functional studies have not been reported for this variant. This variant has not been reported in individuals affected with hereditary cancer in the literature. This variant has not been identified in the general population by the Genome Aggregation Database (gnomAD). The available evidence is insufficient to determine the role of this variant in disease conclusively. Therefore, this variant is classified as a Variant of Uncertain Significance.

Labcorp Genetics (formerly Invitae), Labcorp
Classification: Uncertain significance for Hereditary nonpolyposis colorectal neoplasms. Last evaluated: 2024-03-01. Review status: criteria provided, single submitter. Criteria: Invitae Variant Classification Sherloc (09022015). Collection method: clinical testing. Allele origin: germline.
Comment: This sequence change replaces glutamic acid, which is acidic and polar, with alanine, which is neutral and non-polar, at codon 1272 of the MSH6 protein (p.Glu1272Ala). This variant is not present in population databases (gnomAD no frequency). This variant has not been reported in the literature in individuals affected with MSH6-related conditions. ClinVar contains an entry for this variant (Variation ID: 1735193). Advanced modeling of protein sequence and biophysical properties (such as structural, functional, and spatial information, amino acid conservation, physicochemical variation, residue mobility, and thermodynamic stability) performed at Invitae indicates that this missense variant is not expected to disrupt MSH6 protein function with a negative predictive value of 95%. In summary, the available evidence is currently insufficient to determine the role of this variant in disease. Therefore, it has been classified as a Variant of Uncertain Significance.

Ambry Genetics
Classification: Uncertain significance for Hereditary cancer-predisposing syndrome. Last evaluated: 2021-05-20. Review status: criteria provided, single submitter. Criteria: Ambry Variant Classification Scheme 2023. Collection method: clinical testing. Allele origin: germline.
Comment: The p.E1272A variant (also known as c.3815A>C), located in coding exon 9 of the MSH6 gene, results from an A to C substitution at nucleotide position 3815. The glutamic acid at codon 1272 is replaced by alanine, an amino acid with dissimilar properties. This amino acid position is highly conserved in available vertebrate species. In addition, this alteration is predicted to be deleterious by in silico analysis. Since supporting evidence is limited at this time, the clinical significance of this alteration remains unclear.